The following is an entry in ClinVar:

ClinVar aggregate classification (germline): Uncertain significance (0 of 4 stars; one submission).

Conditions:
SEMA3E-related disorder. Also called: SEMA3E-related condition.

Submission:

PreventionGenetics, part of Exact Sciences
Classification: Uncertain significance for SEMA3E-related condition. Last evaluated: 2024-02-07. Review status: no assertion criteria provided. Collection method: clinical testing. Allele origin: germline.
Comment: The SEMA3E c.1675C>T variant is predicted to result in the amino acid substitution p.Arg559Trp. To our knowledge, this variant has not been reported in the literature or in a large population database, indicating this variant is rare. At this time, the clinical significance of this variant is uncertain due to the absence of conclusive functional and genetic evidence.

NM_012431.3(SEMA3E):c.1675C>T (p.Arg559Trp)

Gene: SEMA3E (semaphorin 3E; minus strand). Cytogenetic location: 7q21.11.
Variant type: single nucleotide variant.
Coding change: c.1675C>T on transcript NM_012431.3 (MANE Select); coding-DNA position 1675, C replaced by T.
Protein change: p.Arg559Trp; replaces arginine 559 with tryptophan.
Molecular consequence: missense variant.
Genome position (GRCh38, 1-based): chr7:83,387,043, G>A on the plus strand (C>T on the coding strand, the complement: SEMA3E is on the minus strand). VCF-style: chr7-83387043-G-A. GRCh37 (hg19) VCF-style: chr7-83016359-G-A.
Other names: c.1495C>T, p.Arg499Trp (NM_001178129.2); short protein forms R499W, R559W.
Identifiers: ClinVar variation 3061105 (VCV003061105.2), dbSNP rs2484279165, ClinGen allele CA367922106.